The following is an entry in ClinVar:

NM_170784.3(MKKS):c.1077T>G (p.His359Gln)

Gene: MKKS (MKKS centrosomal shuttling protein; minus strand). Cytogenetic location: 20p12.2.
Variant type: single nucleotide variant.
Coding change: c.1077T>G on transcript NM_170784.3 (MANE Select); coding-DNA position 1077, T replaced by G.
Protein change: p.His359Gln; replaces histidine 359 with glutamine.
Molecular consequence: missense variant. On other transcripts: non-coding transcript variant (1).
Genome position (GRCh38, 1-based): chr20:10,408,712, A>C on the plus strand (T>G on the coding strand, the complement: MKKS is on the minus strand). VCF-style: chr20-10408712-A-C. GRCh37 (hg19) VCF-style: chr20-10389360-A-C.
Other names: c.1077T>G, p.His359Gln (NM_018848.3); short protein forms H359Q.
Identifiers: ClinVar variation 4980463 (VCV004980463.1).

ClinVar aggregate classification (germline): Uncertain significance (1 of 4 stars; one submission).

Conditions:
MKKS-related disorder. Also called: MKKS-related disorders; MKKS-related condition.

gnomAD v4.1: 37 of 1,613,988 alleles (0.0023%); highest among the groups gnomAD compares: Non-Finnish European, 0.0031%; no homozygotes.

Submission:

PreventionGenetics, part of Exact Sciences
Classification: Uncertain significance for MKKS-related condition. Last evaluated: 2025-09-04. Review status: criteria provided, single submitter. Criteria: ACMG Guidelines, 2015. Collection method: clinical testing. Allele origin: germline.
Comment: The MKKS c.1077T>G variant is predicted to result in the amino acid substitution p.His359Gln. To our knowledge, this variant has not been reported in the literature. This variant is reported in 0.0047% of alleles in individuals of European (Non-Finnish) descent in gnomAD. At this time, the clinical significance of this variant is uncertain due to the absence of conclusive functional and genetic evidence.